The following is an entry in ClinVar:

ClinVar aggregate classification (germline): Likely benign (1 of 4 stars; one submission).

Allele frequency attached by ClinVar (database versions not stated): gnomAD exomes below 0.00001.
gnomAD v4.1: 2 of 1,574,012 alleles (0.00013%); highest among the groups gnomAD compares: Middle Eastern, 0.017%; no homozygotes.

Submission:

CeGaT Center for Human Genetics Tuebingen
Classification: Likely benign. Last evaluated: 2023-10-01. Review status: criteria provided, single submitter. Criteria: CeGaT Center For Human Genetics Tuebingen Variant Classification Criteria Version 2. Collection method: clinical testing. Allele origin: germline. Affected: yes. Observed: 1 variant allele.
Comment: RYR2: PM2:Supporting, BP4, BP7

NM_001035.3(RYR2):c.8578T>C (p.Leu2860=)

Gene: RYR2 (ryanodine receptor 2; plus strand). Cytogenetic location: 1q43.
Variant type: single nucleotide variant.
Coding change: c.8578T>C on transcript NM_001035.3 (MANE Select); coding-DNA position 8578, T replaced by C.
Protein change: p.Leu2860=; no amino-acid change (leucine 2860 retained).
Molecular consequence: synonymous variant.
Genome position (GRCh38, 1-based): chr1:237,667,946, T>C. VCF-style: chr1-237667946-T-C. GRCh37 (hg19) VCF-style: chr1-237831246-T-C.
Identifiers: ClinVar variation 2672388 (VCV002672388.23), dbSNP rs1172142044, ClinGen allele CA423821271.
Genomic context (GRCh38, chr1:237,667,946, plus strand): 5'-ATGGCAGAAATGATGGCTGAAAACTACCATAATATATGGGCAAAGAAAAAGAAAATGGAG[T>C]TGGAGTCCAAAGGTAATATTTTCTAAAAACGTTTATTAAAAAATAATCTGAGCTCAATTC-3'
Protein context (NP_001026.2, residues 2850-2870): NIWAKKKKME[Leu2860=]ESKGGGNHPL